The following is an entry in ClinVar:

NM_005120.3(MED12):c.3443G>A (p.Arg1148His)

Gene: MED12 (mediator complex subunit 12; plus strand). Cytogenetic location: Xq13.1.
Variant type: single nucleotide variant.
Coding change: c.3443G>A on transcript NM_005120.3 (MANE Select); coding-DNA position 3443, G replaced by A.
Protein change: p.Arg1148His; replaces arginine 1148 with histidine.
Molecular consequence: missense variant.
Genome position (GRCh38, 1-based): chrX:71,128,686, G>A. VCF-style: chrX-71128686-G-A. GRCh37 (hg19) VCF-style: chrX-70348536-G-A.
Other names: short protein forms R1148H.
Identifiers: ClinVar variation 50279 (VCV000050279.10), dbSNP rs387907360, ClinGen allele CA143730.

ClinVar aggregate classification (germline): Conflicting classifications of pathogenicity. Review status: criteria provided, conflicting classifications (1 of 4 stars). 6 submissions from 6 submitters: Pathogenic (2); Likely pathogenic (1); Uncertain significance (1). 2 of the submissions do not count toward it. Last evaluated 2024-12-13.

Conditions:
FG syndrome (FGS). Identifiers: MedGen C0220769, MONDO:0002010.
MED12-Related Disorders. Also called: MED12-related condition; MED12-related disorder. Identifiers: MedGen CN381102.
Blepharophimosis - intellectual disability syndrome, MKB type. Also called: X-Linked Ohdo Syndrome (XLOS); BLEPHAROPHIMOSIS-MENTAL RETARDATION SYNDROME, MAAT-KIEVIT-BRUNNER TYPE; Ohdo syndrome, X-linked. Identifiers: Orphanet 293707, MedGen C3698541, MONDO:0010477, OMIM 300895.
FG syndrome 1 (OKS). Also called: MENTAL RETARDATION, LARGE HEAD, IMPERFORATE ANUS, CONGENITAL HYPOTONIA, AND PARTIAL AGENESIS OF CORPUS CALLOSUM; KELLER SYNDROME; OPITZ-KAVEGGIA SYNDROME; FG Syndrome Type 1 (FGS1). Identifiers: Orphanet 93932, MedGen C5399762, MONDO:0010590, OMIM 305450.

Submissions (6):

PreventionGenetics, part of Exact Sciences
Classification: Likely pathogenic for MED12-related condition. Last evaluated: 2024-12-13. Review status: criteria provided, single submitter. Criteria: ACMG Guidelines, 2015. Collection method: clinical testing. Allele origin: germline.
Comment: The MED12 c.3443G>A variant is predicted to result in the amino acid substitution p.Arg1148His. This variant has been reported in two males from a family with Ohdo syndrome and the variant was shown to reduce protein activity in vitro (Vulto-van Silfhout et al. 2013. PubMed ID: 23395478). The variant was also reported in two male siblings from their unaffected mother; the individuals had short humeri and dysmorphic features (Isidor et al. 2014. PubMed ID: 24715367). This variant has not been reported in a large population database (gnomAD), indicating this variant is rare. This variant is interpreted as likely pathogenic.

Labcorp Genetics (formerly Invitae), Labcorp
Classification: Uncertain significance for FG syndrome. Last evaluated: 2024-02-11. Review status: criteria provided, single submitter. Criteria: Invitae Variant Classification Sherloc (09022015). Collection method: clinical testing. Allele origin: germline.
Comment: This sequence change replaces arginine, which is basic and polar, with histidine, which is basic and polar, at codon 1148 of the MED12 protein (p.Arg1148His). This variant is not present in population databases (gnomAD no frequency). This missense change has been observed in individuals with Ohdo syndrome (PMID: 23395478, 24715367, 30006928). ClinVar contains an entry for this variant (Variation ID: 50279). Advanced modeling of protein sequence and biophysical properties (such as structural, functional, and spatial information, amino acid conservation, physicochemical variation, residue mobility, and thermodynamic stability) performed at Invitae indicates that this missense variant is not expected to disrupt MED12 protein function with a negative predictive value of 95%. Experimental studies have shown that this missense change affects MED12 function (PMID: 23395478, 28369444). In summary, the available evidence is currently insufficient to determine the role of this variant in disease. Therefore, it has been classified as a Variant of Uncertain Significance.

3billion
Classification: Pathogenic for FG syndrome 1. Last evaluated: 2022-03-22. Review status: criteria provided, single submitter. Criteria: ACMG Guidelines, 2015. Collection method: clinical testing. Allele origin: germline. Affected: yes. Observed: 1 heterozygote.
Comment: Same nucleotide change resulting in same amino acid change has been previously reported to be associated with MED12 related disorder (ClinVar ID: VCV000050279). The variant has been observed in multiple (>3) similarly affected unrelated individuals (PMID: 23395478, 24715367, 30006928). Functional assays showed that the variant had moderate level of impact on gene/protein function (PMID: 23395478). A missense variant is a common mechanism. It is not observed in the gnomAD v2.1.1 dataset. Therefore, this variant is classified as pathogenic according to the recommendation of ACMG/AMP guideline.

Institute of Medical Genetics and Applied Genomics, University Hospital Tübingen
Classification: Pathogenic. Last evaluated: 2020-10-23. Review status: criteria provided, single submitter. Criteria: ACMG Guidelines, 2015. Collection method: clinical testing. Allele origin: germline. Inheritance: Unknown mechanism. Affected: yes.

OMIM
Classification: Pathogenic for OHDO SYNDROME, X-LINKED. Last evaluated: 2013-03-07. Review status: no assertion criteria provided. Collection method: literature only. Allele origin: germline. Not counted in ClinVar's aggregate classification.

GeneReviews
No classification provided. Condition: FG syndrome. Review status: no classification provided. Collection method: literature only. Allele origin: germline. Not counted in ClinVar's aggregate classification.
Comment: Reported in males with X-linked Ohdo syndrome and females with nonspecific intellectual disability

Literature cited by the submitters: PubMed 23395478 (cited by 4 submitters); PubMed 24715367 (cited by 3 submitters); PubMed 30006928 (cited by 3 submitters); PubMed 28369444 (cited by Labcorp Genetics (formerly Invitae), Labcorp); PubMed 8279489 (cited by OMIM); PubMed 16700052 (cited by OMIM); PubMed 20301719 (cited by GeneReviews).